The following is an entry in ClinVar:

NM_000046.5(ARSB):c.943C>G (p.Arg315Gly)

Gene: ARSB (arylsulfatase B; minus strand). Cytogenetic location: 5q14.1.
Variant type: single nucleotide variant.
Coding change: c.943C>G on transcript NM_000046.5 (MANE Select); coding-DNA position 943, C replaced by G.
Protein change: p.Arg315Gly; replaces arginine 315 with glycine.
Molecular consequence: missense variant.
Genome position (GRCh38, 1-based): chr5:78,885,783, G>C on the plus strand (C>G on the coding strand, the complement: ARSB is on the minus strand). VCF-style: chr5-78885783-G-C. GRCh37 (hg19) VCF-style: chr5-78181606-G-C.
Other names: c.943C>G, p.Arg315Gly (NM_198709.3); short protein forms R315G.
Identifiers: ClinVar variation 3902162 (VCV003902162.1).

ClinVar aggregate classification (germline): Uncertain significance (1 of 4 stars; one submission).

gnomAD v4.1: 1 of 1,614,068 alleles (0.000062%); highest among the groups gnomAD compares: East Asian, 0.0022%; no homozygotes.

Submission:

Women's Health and Genetics/Laboratory Corporation of America, LabCorp
Classification: Uncertain significance. Last evaluated: 2025-05-16. Review status: criteria provided, single submitter. Criteria: LabCorp Variant Classification Summary - May 2015. Collection method: clinical testing. Allele origin: germline.
Comment: Variant summary: ARSB c.943C>G (p.Arg315Gly) results in a non-conservative amino acid change in the encoded protein sequence. Algorithms developed to predict the effect of missense changes on protein structure and function all suggest that this variant is likely to be disruptive. The variant was absent in 251340 control chromosomes. To our knowledge, no occurrence of c.943C>G in individuals affected with Mucopolysaccharidosis Type VI (Maroteaux-Lamy Syndrome) and no experimental evidence demonstrating its impact on protein function have been reported. Different variants affecting the same codon has been classified as pathogenic by our lab (c.944G>A, p.Arg315Gln and c.944G>C, p.Arg315Pro), supporting the critical relevance of codon 315 to ARSB protein function. No submitters have cited clinical-significance assessments for this variant to ClinVar. Based on the evidence outlined above, the variant was classified as VUS-possibly pathogenic.